The following is an entry in ClinVar:

ClinVar aggregate classification (germline): Uncertain significance (1 of 4 stars; one submission).

Conditions:
Mevalonic aciduria (MEVA). Identifiers: Orphanet 29, MedGen C1959626, MONDO:0012481, OMIM 610377.
Hyperimmunoglobulin D with periodic fever (HIDS). Also called: HYPERIMMUNOGLOBULINEMIA D AND PERIODIC FEVER SYNDROME; Hyperimmunoglobulinemia D; Hyperimmunoglobulinemia D with periodic fever. Identifiers: Orphanet 343, MedGen C0398691, MONDO:0009849, OMIM 260920.
Porokeratosis 3, disseminated superficial actinic type (POROK3). Also called: POROKERATOSIS, DISSEMINATED SUPERFICIAL ACTINIC, 1; POROKERATOSIS 3, MULTIPLE TYPES; POROKERATOSIS 3, MIBELLI TYPE. Identifiers: MedGen C1867981, MONDO:0008293, OMIM 175900.

gnomAD v4.1: 3 of 1,613,484 alleles (0.00019%); highest among the groups gnomAD compares: Non-Finnish European, 0.00025%; no homozygotes.

Submission:

Labcorp Genetics (formerly Invitae), Labcorp
Classification: Uncertain significance for Mevalonic aciduria; Hyperimmunoglobulin D with periodic fever; Porokeratosis 3, disseminated superficial actinic type. Last evaluated: 2024-12-05. Review status: criteria provided, single submitter. Criteria: Invitae Variant Classification Sherloc (09022015). Collection method: clinical testing. Allele origin: germline.
Comment: This sequence change affects codon 207 of the MVK mRNA. It is a 'silent' change, meaning that it does not change the encoded amino acid sequence of the MVK protein. This variant is not present in population databases (gnomAD no frequency). This variant has not been reported in the literature in individuals affected with MVK-related conditions. Algorithms developed to predict the effect of sequence changes on RNA splicing suggest that this variant may create or strengthen a splice site. In summary, the available evidence is currently insufficient to determine the role of this variant in disease. Therefore, it has been classified as a Variant of Uncertain Significance.

NM_000431.4(MVK):c.621C>A (p.Val207=)

Gene: MVK (mevalonate kinase; plus strand). Cytogenetic location: 12q24.11.
Variant type: single nucleotide variant.
Coding change: c.621C>A on transcript NM_000431.4 (MANE Select); coding-DNA position 621, C replaced by A.
Protein change: p.Val207=; no amino-acid change (valine 207 retained).
Molecular consequence: synonymous variant. On other transcripts: non-coding transcript variant (4).
Genome position (GRCh38, 1-based): chr12:109,586,115, C>A. VCF-style: chr12-109586115-C-A. GRCh37 (hg19) VCF-style: chr12-110023920-C-A.
Other names: c.465C>A, p.Val155= (NM_001301182.2, NM_001414514.1); c.621C>A, p.Val207= (NM_001414511.1, NM_001414512.1, NM_001414513.1 and 1 more transcripts); c.39C>A, p.Val13= (NM_001414515.1).
Identifiers: ClinVar variation 3764071 (VCV003764071.2).